The following is an entry in ClinVar:

ClinVar aggregate classification (germline): Uncertain significance. Review status: criteria provided, multiple submitters, no conflicts (2 of 4 stars). 2 submissions from 2 submitters: Uncertain significance (2). Last evaluated 2024-04-14.

Conditions:
Type 2 diabetes mellitus. Also called: Type II diabetes mellitus. Identifiers: MedGen C0011860, MeSH D003924, MONDO:0005148, OMIM 125853, HP:0005978.
Maturity-onset diabetes of the young type 6 (MODY6). Identifiers: Orphanet 552, MedGen C1853371, MONDO:0011668, OMIM 606394.

Allele frequency attached by ClinVar (database versions not stated): gnomAD 0.00001; TOPMed 0.00001.
gnomAD v4.1: 1 of 1,613,004 alleles (0.000062%); highest among the groups gnomAD compares: Admixed American, 0.0017%; no homozygotes.

Submissions (2):

Fulgent Genetics
Classification: Uncertain significance for Type 2 diabetes mellitus; Maturity-onset diabetes of the young type 6. Last evaluated: 2024-04-14. Review status: criteria provided, single submitter. Criteria: ACMG Guidelines, 2015. Collection method: clinical testing. Allele origin: germline.

Labcorp Genetics (formerly Invitae), Labcorp
Classification: Uncertain significance. Last evaluated: 2023-12-05. Review status: criteria provided, single submitter. Criteria: Invitae Variant Classification Sherloc (09022015). Collection method: clinical testing. Allele origin: germline.
Comment: This sequence change replaces aspartic acid, which is acidic and polar, with glutamic acid, which is acidic and polar, at codon 31 of the NEUROD1 protein (p.Asp31Glu). This variant is not present in population databases (gnomAD no frequency). This variant has not been reported in the literature in individuals affected with NEUROD1-related conditions. Advanced modeling of protein sequence and biophysical properties (such as structural, functional, and spatial information, amino acid conservation, physicochemical variation, residue mobility, and thermodynamic stability) performed at Invitae indicates that this missense variant is not expected to disrupt NEUROD1 protein function with a negative predictive value of 80%. In summary, the available evidence is currently insufficient to determine the role of this variant in disease. Therefore, it has been classified as a Variant of Uncertain Significance.

NM_002500.5(NEUROD1):c.93C>A (p.Asp31Glu)

Gene: NEUROD1 (neuronal differentiation 1; minus strand). Cytogenetic location: 2q31.3.
Variant type: single nucleotide variant.
Coding change: c.93C>A on transcript NM_002500.5 (MANE Select); coding-DNA position 93, C replaced by A.
Protein change: p.Asp31Glu; replaces aspartic acid 31 with glutamic acid.
Molecular consequence: missense variant.
Genome position (GRCh38, 1-based): chr2:181,678,768, G>T on the plus strand (C>A on the coding strand, the complement: NEUROD1 is on the minus strand). VCF-style: chr2-181678768-G-T. GRCh37 (hg19) VCF-style: chr2-182543495-G-T.
Other names: short protein forms D31E.
Identifiers: ClinVar variation 3005018 (VCV003005018.4), dbSNP rs1688642769, ClinGen allele CA349787588.
Genomic context (GRCh38, chr2:181,678,768, plus strand): 5'-GTCCTCCTCTGCGTTCATGGTTTCGAGGTCGTCCTCCTTCTTGTCTGCCTCGTGCTCCTC[G>T]TCCTGAGAACTGAGACACTCGTCTGTCCAGCTTGGAGGACCTTGGGGCTGAGGCTCGCCC-3'
Protein context (NP_002491.3, residues 21-41): SWTDECLSSQ[Asp31Glu]EEHEADKKED